The following is an entry in ClinVar:

ClinVar aggregate classification (germline): Benign (0 of 4 stars; one submission).

Conditions:
ZNF582-related disorder. Also called: ZNF582-related condition.

Allele frequency attached by ClinVar (database versions not stated): gnomAD 0.00025; TOPMed 0.00034; ExAC 0.00040; 1000 Genomes Project 30x 0.00219; 1000 Genomes Project 0.00220.
gnomAD v4.1: 207 of 1,585,006 alleles (0.013%); highest among the groups gnomAD compares: East Asian, 0.42%; 3 homozygotes.

Submission:

PreventionGenetics, part of Exact Sciences
Classification: Benign for ZNF582-related condition. Last evaluated: 2019-10-28. Review status: no assertion criteria provided. Collection method: clinical testing. Allele origin: germline.
Comment: This variant is classified as benign based on ACMG/AMP sequence variant interpretation guidelines (Richards et al. 2015 PMID: 25741868, with internal and published modifications).

NM_001320371.4(ZNF582):c.1533T>C (p.Asn511=)

Genes: ZNF582 (zinc finger protein 582; minus strand), LOC126862939 (BRD4-independent group 4 enhancer GRCh37_chr19:56895030-56896229; plus strand). Cytogenetic location: 19q13.43.
Variant type: single nucleotide variant.
Coding change: c.1533T>C on transcript NM_001320371.4 (MANE Select); coding-DNA position 1533, T replaced by C.
Protein change: p.Asn511=; no amino-acid change (asparagine 511 retained).
Molecular consequence: synonymous variant.
Genome position (GRCh38, 1-based): chr19:56,383,884, A>G on the plus strand (T>C on the coding strand, the complement: ZNF582 is on the minus strand). VCF-style: chr19-56383884-A-G. GRCh37 (hg19) VCF-style: chr19-56895253-A-G.
Other names: c.1533T>C, p.Asn511= (NM_144690.3).
Identifiers: ClinVar variation 3040476 (VCV003040476.2), dbSNP rs181687862, ClinGen allele CA9689141.
Genomic context (GRCh38, chr19:56,383,884, plus strand): 5'-TTCTCCAAGAGGGAGAAGTAAGTCACAGTCACAATTAGCCTAGGCTAATGGGCTTTCCCC[A>G]TTACTTCCATTCATATGGTTGCTTGCCAACATAAATTCTCTGATGATTAGTAAGGGGTAA-3'
Protein context (NP_001307300.2, residues 501-517): MLASNHMNGS[Asn511=]GESPLA